The following is an entry in ClinVar:

ClinVar aggregate classification (germline): Uncertain significance. Review status: criteria provided, multiple submitters, no conflicts (2 of 4 stars). 2 submissions from 2 submitters: Uncertain significance (2). Last evaluated 2024-03-29.

Conditions:
Aortic aneurysm, familial thoracic 7 (AAT7). Also called: AORTIC DISSECTION, FAMILIAL, WITH OR WITHOUT AORTIC ANEURYSM. Identifiers: MedGen C3151077, MONDO:0013418, OMIM 613780.

Allele frequency attached by ClinVar (database versions not stated): gnomAD exomes below 0.00001; TOPMed below 0.00001.
gnomAD v4.1: 1 of 1,607,828 alleles (0.000062%); highest among the groups gnomAD compares: Non-Finnish European, 0.000085%; no homozygotes.

Submissions (2):

Labcorp Genetics (formerly Invitae), Labcorp
Classification: Uncertain significance for Aortic aneurysm, familial thoracic 7. Last evaluated: 2024-03-29. Review status: criteria provided, single submitter. Criteria: Invitae Variant Classification Sherloc (09022015). Collection method: clinical testing. Allele origin: germline.
Comment: This sequence change replaces glycine, which is neutral and non-polar, with serine, which is neutral and polar, at codon 996 of the MYLK protein (p.Gly996Ser). This variant is not present in population databases (gnomAD no frequency). This variant has not been reported in the literature in individuals affected with MYLK-related conditions. ClinVar contains an entry for this variant (Variation ID: 1316763). Advanced modeling of protein sequence and biophysical properties (such as structural, functional, and spatial information, amino acid conservation, physicochemical variation, residue mobility, and thermodynamic stability) performed at Invitae indicates that this missense variant is not expected to disrupt MYLK protein function with a negative predictive value of 80%. In summary, the available evidence is currently insufficient to determine the role of this variant in disease. Therefore, it has been classified as a Variant of Uncertain Significance.

GeneDx
Classification: Uncertain significance. Last evaluated: 2019-04-30. Review status: criteria provided, single submitter. Criteria: GeneDx Variant Classification Process June 2021. Collection method: clinical testing. Allele origin: germline. Affected: yes.
Comment: Has not been previously published as pathogenic or benign to our knowledge; Not observed in large population cohorts (Lek et al., 2016); In silico analysis, which includes protein predictors and evolutionary conservation, supports that this variant does not alter protein structure/function

NM_053025.4(MYLK):c.2986G>A (p.Gly996Ser)

Gene: MYLK (myosin light chain kinase; minus strand). Cytogenetic location: 3q21.1.
Variant type: single nucleotide variant.
Coding change: c.2986G>A on transcript NM_053025.4 (MANE Select); coding-DNA position 2986, G replaced by A.
Protein change: p.Gly996Ser; replaces glycine 996 with serine.
Molecular consequence: missense variant.
Genome position (GRCh38, 1-based): chr3:123,700,482, C>T on the plus strand (G>A on the coding strand, the complement: MYLK is on the minus strand). VCF-style: chr3-123700482-C-T. GRCh37 (hg19) VCF-style: chr3-123419329-C-T.
Other names: c.2458G>A, p.Gly820Ser (NM_001321309.2); c.2779G>A, p.Gly927Ser (NM_053026.4, NM_053028.4); c.2986G>A, p.Gly996Ser (NM_053027.4); short protein forms G820S, G927S, G996S.
Identifiers: ClinVar variation 1316763 (VCV001316763.4), dbSNP rs1047925630, ClinGen allele CA82924925.
Genomic context (GRCh38, chr3:123,700,482, plus strand): 5'-TGCTCAGGGGCTTGGAACTCTCCACTGCCTTGGCATTCAGGGTCTCGGCACTGCTGCTGC[C>T]ATTCTCTGCTGGTAATTTCTTCTTGCCACCCAGCACTGAGCGAAAATCCGGGGTGGCAGG-3'
Protein context (NP_444253.3, residues 986-1006): GGKKKLPAEN[Gly996Ser]SSSAETLNAK